The following is an entry in ClinVar:

ClinVar aggregate classification (germline): Uncertain significance. Review status: criteria provided, multiple submitters, no conflicts (2 of 4 stars). 2 submissions from 2 submitters: Uncertain significance (2). Last evaluated 2025-06-08.

Conditions:
Hereditary cancer-predisposing syndrome. Also called: Hereditary neoplastic syndrome; Neoplastic Syndromes, Hereditary; Tumor predisposition; Hereditary Cancer Syndrome. Identifiers: Orphanet 140162, MedGen C0027672, MeSH D009386, MONDO:0015356.

gnomAD v4.1: 1 of 1,608,410 alleles (0.000062%); highest among the groups gnomAD compares: Admixed American, 0.0017%; no homozygotes.

Submissions (2):

Labcorp Genetics (formerly Invitae), Labcorp
Classification: Uncertain significance. Last evaluated: 2025-06-08. Review status: criteria provided, single submitter. Criteria: Invitae Variant Classification Sherloc (09022015). Collection method: clinical testing. Allele origin: germline.
Comment: This sequence change replaces valine, which is neutral and non-polar, with methionine, which is neutral and non-polar, at codon 132 of the NTHL1 protein (p.Val132Met). This variant is not present in population databases (gnomAD no frequency). This variant has not been reported in the literature in individuals affected with NTHL1-related conditions. ClinVar contains an entry for this variant (Variation ID: 941688). An algorithm developed to predict the effect of missense changes on protein structure and function (PolyPhen-2) suggests that this variant is likely to be disruptive. In summary, the available evidence is currently insufficient to determine the role of this variant in disease. Therefore, it has been classified as a Variant of Uncertain Significance.

Ambry Genetics
Classification: Uncertain significance for Hereditary cancer-predisposing syndrome. Last evaluated: 2024-02-25. Review status: criteria provided, single submitter. Criteria: Ambry Variant Classification Scheme 2023. Collection method: clinical testing. Allele origin: germline.
Comment: The p.V132M variant (also known as c.394G>A), located in coding exon 3 of the NTHL1 gene, results from a G to A substitution at nucleotide position 394. The valine at codon 132 is replaced by methionine, an amino acid with highly similar properties. This amino acid position is conserved. In addition, this alteration is predicted to be deleterious by in silico analysis. Since supporting evidence is limited at this time, the clinical significance of this alteration remains unclear.

NM_002528.7(NTHL1):c.370G>A (p.Val124Met)

Gene: NTHL1 (nth like DNA glycosylase 1; minus strand). Cytogenetic location: 16p13.3.
Variant type: single nucleotide variant.
Coding change: c.370G>A on transcript NM_002528.7 (MANE Select); coding-DNA position 370, G replaced by A.
Protein change: p.Val124Met; replaces valine 124 with methionine.
Molecular consequence: missense variant. On other transcripts: intron variant (1).
Genome position (GRCh38, 1-based): chr16:2,044,785, C>T on the plus strand (G>A on the coding strand, the complement: NTHL1 is on the minus strand). VCF-style: chr16-2044785-C-T. GRCh37 (hg19) VCF-style: chr16-2094786-C-T.
Other names: c.40G>A, p.Val14Met (NM_001318194.2); c.355-1059G>A (NM_001318193.2); short protein forms V124M, V14M.
Identifiers: ClinVar variation 941688 (VCV000941688.12), dbSNP rs1271178921, ClinGen allele CA394294737.